The following is an entry in ClinVar:

ClinVar aggregate classification (germline): Uncertain significance (1 of 4 stars; one submission).

Allele frequency attached by ClinVar (database versions not stated): gnomAD exomes below 0.00001.

Submission:

Ambry Genetics
Classification: Uncertain significance. Last evaluated: 2022-12-12. Review status: criteria provided, single submitter. Criteria: Ambry Variant Classification Scheme 2023. Collection method: clinical testing. Allele origin: germline.
Comment: The p.E341D variant (also known as c.1023G>C), located in coding exon 3 of the EGLN2 gene, results from a G to C substitution at nucleotide position 1023. The glutamic acid at codon 341 is replaced by aspartic acid, an amino acid with highly similar properties. This amino acid position is conserved. In addition, this alteration is predicted to be tolerated by in silico analysis. Since supporting evidence is limited at this time, the clinical significance of this alteration remains unclear.

NM_080732.4(EGLN2):c.1023G>C (p.Glu341Asp)

Genes: EGLN2 (egl-9 family hypoxia inducible factor 2; plus strand), RAB4B-EGLN2 (RAB4B-EGLN2 readthrough (NMD candidate); plus strand). Cytogenetic location: 19q13.2.
Variant type: single nucleotide variant.
Coding change: c.1023G>C on transcript NM_080732.4 (MANE Select); coding-DNA position 1023, G replaced by C.
Protein change: p.Glu341Asp; replaces glutamic acid 341 with aspartic acid.
Molecular consequence: missense variant. On other transcripts: non-coding transcript variant (1).
Genome position (GRCh38, 1-based): chr19:40,807,197, G>C. VCF-style: chr19-40807197-G-C. GRCh37 (hg19) VCF-style: chr19-41313102-G-C.
Other names: c.1023G>C, p.Glu341Asp (NM_053046.4); short protein forms E341D.
Identifiers: ClinVar variation 2451309 (VCV002451309.2), dbSNP rs1409203715, ClinGen allele CA405956509.